The following is an entry in ClinVar:

ClinVar aggregate classification (germline): Uncertain significance. Review status: criteria provided, multiple submitters, no conflicts (2 of 4 stars). 2 submissions from 2 submitters: Uncertain significance (2). Last evaluated 2025-07-01.

Conditions:
Developmental and epileptic encephalopathy, 9 (DEE9). Also called: Early infantile epileptic encephalopathy 9; EPILEPSY, FEMALE-RESTRICTED, WITH MENTAL RETARDATION; JUBERG-HELLMAN SYNDROME; PCDH19-Related X-Linked Female-Limited Epilepsy with Mental Retardation. Identifiers: Orphanet 101039, Orphanet 2076, MedGen C1848137, MONDO:0010246, OMIM 300088. Disease mechanism: loss of function.

Allele frequency attached by ClinVar (database versions not stated): TOPMed 0.00001; gnomAD 0.00002.
gnomAD v4.1: 6 of 1,211,005 alleles (0.0005%); highest among the groups gnomAD compares: African/African-American, 0.0052%; no homozygotes.

Submissions (2):

Labcorp Genetics (formerly Invitae), Labcorp
Classification: Uncertain significance for Developmental and epileptic encephalopathy, 9. Last evaluated: 2025-07-01. Review status: criteria provided, single submitter. Criteria: Invitae Variant Classification Sherloc (09022015). Collection method: clinical testing. Allele origin: germline.
Comment: This sequence change replaces arginine, which is basic and polar, with histidine, which is basic and polar, at codon 284 of the PCDH19 protein (p.Arg284His). This variant is present in population databases (no rsID available, gnomAD 0.02%). This variant has not been reported in the literature in individuals affected with PCDH19-related conditions. ClinVar contains an entry for this variant (Variation ID: 1423111). Invitae Evidence Modeling of protein sequence and biophysical properties (such as structural, functional, and spatial information, amino acid conservation, physicochemical variation, residue mobility, and thermodynamic stability) indicates that this missense variant is not expected to disrupt PCDH19 protein function with a negative predictive value of 95%. In summary, the available evidence is currently insufficient to determine the role of this variant in disease. Therefore, it has been classified as a Variant of Uncertain Significance.

GeneDx
Classification: Uncertain significance. Last evaluated: 2022-04-29. Review status: criteria provided, single submitter. Criteria: GeneDx Variant Classification Process June 2021. Collection method: clinical testing. Allele origin: germline. Affected: yes.
Comment: Not observed at significant frequency in large population cohorts (gnomAD); Missense variants in this gene are often considered pathogenic (HGMD); In silico analysis supports that this missense variant has a deleterious effect on protein structure/function; Has not been previously published as pathogenic or benign to our knowledge

NM_001184880.2(PCDH19):c.851G>A (p.Arg284His)

Gene: PCDH19 (protocadherin 19; minus strand). Cytogenetic location: Xq22.1.
Variant type: single nucleotide variant.
Coding change: c.851G>A on transcript NM_001184880.2 (MANE Select); coding-DNA position 851, G replaced by A.
Protein change: p.Arg284His; replaces arginine 284 with histidine.
Molecular consequence: missense variant.
Genome position (GRCh38, 1-based): chrX:100,407,747, C>T on the plus strand (G>A on the coding strand, the complement: PCDH19 is on the minus strand). VCF-style: chrX-100407747-C-T. GRCh37 (hg19) VCF-style: chrX-99662745-C-T.
Other names: c.851G>A, p.Arg284His (NM_001105243.2, NM_020766.3); short protein forms R284H.
Identifiers: ClinVar variation 1423111 (VCV001423111.9), dbSNP rs749526030, ClinGen allele CA333826084.